The following is an entry in ClinVar:

NM_005591.4(MRE11):c.925A>T (p.Met309Leu)

Gene: MRE11 (MRE11 double strand break repair nuclease; minus strand). Cytogenetic location: 11q21.
Variant type: single nucleotide variant.
Coding change: c.925A>T on transcript NM_005591.4 (MANE Select); coding-DNA position 925, A replaced by T.
Protein change: p.Met309Leu; replaces methionine 309 with leucine.
Molecular consequence: missense variant.
Genome position (GRCh38, 1-based): chr11:94,470,563, T>A on the plus strand (A>T on the coding strand, the complement: MRE11 is on the minus strand). VCF-style: chr11-94470563-T-A. GRCh37 (hg19) VCF-style: chr11-94203729-T-A.
Other names: c.925A>T, p.Met309Leu (NM_001440470.1, NM_001440473.1, NM_001440474.1 and 18 more transcripts); c.850A>T, p.Met284Leu (NM_001440471.1, NM_001440472.1, NM_001440479.1); c.580A>T, p.Met194Leu (NM_001440482.1, NM_001440483.1, NM_001440484.1); c.457A>T, p.Met153Leu (NM_001440485.1, NM_001440486.1, NM_001440487.1); short protein forms M284L, M309L, M153L, M194L.
Identifiers: ClinVar variation 5024693 (VCV005024693.1).
Genomic context (GRCh38, chr11:94,470,563, plus strand): 5'-TTACTTTAGGATTATCTGGGTTAAAAATGTCTGGATGATTAGCTAGAACAATATCCTCCA[T>A]GAAAAACTGCCGCACTGTGTGAAGAGGAATTTTATGCATATTCATCTTCCTCCCTTTAAT-3'
Protein context (NP_005582.1, residues 299-319): IPLHTVRQFF[Met309Leu]EDIVLANHPD

ClinVar aggregate classification (germline): Uncertain significance (1 of 4 stars; one submission).

Conditions:
Hereditary cancer-predisposing syndrome. Also called: Neoplastic Syndromes, Hereditary; Tumor predisposition; Hereditary neoplastic syndrome; Hereditary Cancer Syndrome. Identifiers: Orphanet 140162, MedGen C0027672, MeSH D009386, MONDO:0015356.

gnomAD v4.1: 1 of 1,613,196 alleles (0.000062%); highest among the groups gnomAD compares: African/African-American, 0.0013%; no homozygotes.

Submission:

Ambry Genetics
Classification: Uncertain significance for Hereditary cancer-predisposing syndrome. Last evaluated: 2026-08-12. Review status: criteria provided, single submitter. Criteria: Ambry Variant Classification Scheme 2023. Collection method: clinical testing. Allele origin: germline.
Comment: The p.M309L variant (also known as c.925A>T), located in coding exon 8 of the MRE11A gene, results from an A to T substitution at nucleotide position 925. The methionine at codon 309 is replaced by leucine, an amino acid with highly similar properties. This amino acid position is conserved. In addition, this alteration is predicted to be tolerated by in silico analysis. Based on the available evidence, the clinical significance of this variant remains unclear.